The following is an entry in ClinVar:

NM_138501.6(TECR):c.684C>T (p.Ile228=)

Gene: TECR (trans-2,3-enoyl-CoA reductase; plus strand). Cytogenetic location: 19p13.12.
Variant type: single nucleotide variant.
Coding change: c.684C>T on transcript NM_138501.6 (MANE Select); coding-DNA position 684, C replaced by T.
Protein change: p.Ile228=; no amino-acid change (isoleucine 228 retained).
Molecular consequence: synonymous variant. On other transcripts: non-coding transcript variant (2).
Genome position (GRCh38, 1-based): chr19:14,565,221, C>T. VCF-style: chr19-14565221-C-T. GRCh37 (hg19) VCF-style: chr19-14676033-C-T.
Other names: c.729C>T, p.Ile243= (NM_001321170.1).
Identifiers: ClinVar variation 5041197 (VCV005041197.1).
Genomic context (GRCh38, chr19:14,565,221, plus strand): 5'-GGTGAGGGGGTCTGACTTTCTCCTTCTGTCCTGCCTGCCAGGGTCCAAGACGCGGAAGAT[C>T]CCATACCCCACCAAGAACCCCTTCACGTGGCTCTTCCTGCTGGTGTCCTGCCCCAACTAC-3'
Protein context (NP_612510.1, residues 218-238): LRPAGSKTRK[Ile228=]PYPTKNPFTW

ClinVar aggregate classification (germline): Likely benign (1 of 4 stars; one submission).

gnomAD v4.1: 6 of 1,613,912 alleles (0.00037%); highest among the groups gnomAD compares: African/African-American, 0.0053%; no homozygotes.

Submission:

CeGaT Center for Human Genetics Tuebingen
Classification: Likely benign. Last evaluated: 2026-09-01. Review status: criteria provided, single submitter. Criteria: CeGaT Center For Human Genetics Tuebingen Variant Classification Criteria Version 2. Collection method: clinical testing. Allele origin: germline. Affected: yes. Observed: 1 variant allele.
Comment: TECR: BP4, BP7